The following is an entry in ClinVar:

NM_030962.4(SBF2):c.2257C>T (p.Leu753Phe)

Genes: SBF2 (SET binding factor 2; minus strand), LOC101928008 (uncharacterized LOC101928008; plus strand). Cytogenetic location: 11p15.4.
Variant type: single nucleotide variant.
Coding change: c.2257C>T on transcript NM_030962.4 (MANE Select); coding-DNA position 2257, C replaced by T.
Protein change: p.Leu753Phe; replaces leucine 753 with phenylalanine.
Molecular consequence: missense variant.
Genome position (GRCh38, 1-based): chr11:9,856,564, G>A on the plus strand (C>T on the coding strand, the complement: SBF2 is on the minus strand). VCF-style: chr11-9856564-G-A. GRCh37 (hg19) VCF-style: chr11-9878111-G-A.
Other names: c.2257C>T, p.Leu753Phe (NM_001386339.1); c.2128C>T, p.Leu710Phe (NM_001386342.1); short protein forms L753F, L710F.
Identifiers: ClinVar variation 852703 (VCV000852703.1), dbSNP rs1857329536, ClinGen allele CA379638911.
Genomic context (GRCh38, chr11:9,856,564, plus strand): 5'-CTGATGTTCTTAGGAGCTTGTTTTTACTTGTGTCGAGTGGAACTAGCAGGTTCACCATGA[G>A]GTTTGCAAAGTGAATGGCCTGACTAAAGACAGTGCTTTCCTCATGTTGCACTAGCTCTTG-3'
Protein context (NP_112224.1, residues 743-763): VFSQAIHFAN[Leu753Phe]MVNLLVPLDT

ClinVar aggregate classification (germline): Uncertain significance (1 of 4 stars; one submission).

Conditions:
Charcot-Marie-Tooth disease type 4. Also called: Charcot-Marie-Tooth disease, type IV; Charcot-Marie-Tooth, Type 4. Identifiers: Orphanet 64749, MedGen C4082197, MONDO:0018995.

gnomAD v4.1: 5 of 1,614,088 alleles (0.00031%); highest among the groups gnomAD compares: African/African-American, 0.0013%; no homozygotes.

Submission:

Labcorp Genetics (formerly Invitae), Labcorp
Classification: Uncertain significance for Charcot-Marie-Tooth disease type 4. Last evaluated: 2019-06-04. Review status: criteria provided, single submitter. Criteria: Invitae Variant Classification Sherloc (09022015). Collection method: clinical testing. Allele origin: germline.
Comment: This sequence change replaces leucine with phenylalanine at codon 753 of the SBF2 protein (p.Leu753Phe). The leucine residue is moderately conserved and there is a small physicochemical difference between leucine and phenylalanine. This variant is not present in population databases (ExAC no frequency). This variant has not been reported in the literature in individuals with SBF2-related conditions. Algorithms developed to predict the effect of missense changes on protein structure and function (SIFT, PolyPhen-2, Align-GVGD) all suggest that this variant is likely to be tolerated, but these predictions have not been confirmed by published functional studies and their clinical significance is uncertain. In summary, the available evidence is currently insufficient to determine the role of this variant in disease. Therefore, it has been classified as a Variant of Uncertain Significance.